The following is an entry in ClinVar:

ClinVar aggregate classification (germline): Uncertain significance (1 of 4 stars; one submission).

Allele frequency attached by ClinVar (database versions not stated): gnomAD 0.00003; gnomAD exomes 0.00003; ExAC 0.00009; TOPMed 0.00009.
gnomAD v4.1: 45 of 1,599,956 alleles (0.0028%); highest among the groups gnomAD compares: Admixed American, 0.07%; no homozygotes.

Submission:

Labcorp Genetics (formerly Invitae), Labcorp
Classification: Uncertain significance. Last evaluated: 2023-09-12. Review status: criteria provided, single submitter. Criteria: Invitae Variant Classification Sherloc (09022015). Collection method: clinical testing. Allele origin: germline.
Comment: In summary, the available evidence is currently insufficient to determine the role of this variant in disease. Therefore, it has been classified as a Variant of Uncertain Significance. Variants that disrupt the consensus splice site are a relatively common cause of aberrant splicing (PMID: 17576681, 9536098). Algorithms developed to predict the effect of sequence changes on RNA splicing suggest that this variant may disrupt the consensus splice site. This variant has not been reported in the literature in individuals affected with CAST-related conditions. This variant is present in population databases (rs774410415, gnomAD 0.1%). This sequence change affects codon 296 of the CAST mRNA. It is a 'silent' change, meaning that it does not change the encoded amino acid sequence of the CAST protein. This variant also falls at the last nucleotide of exon 12, which is part of the consensus splice site for this exon.

Literature cited by the submitters: PubMed 17576681; PubMed 9536098.

NM_001750.7(CAST):c.1011G>A (p.Glu337=)

Gene: CAST (calpastatin; plus strand). Cytogenetic location: 5q15.
Variant type: single nucleotide variant.
Coding change: c.1011G>A on transcript NM_001750.7 (MANE Select); coding-DNA position 1011, G replaced by A.
Protein change: p.Glu337=; no amino-acid change (glutamic acid 337 retained).
Molecular consequence: synonymous variant.
Genome position (GRCh38, 1-based): chr5:96,741,358, G>A. VCF-style: chr5-96741358-G-A. GRCh37 (hg19) VCF-style: chr5-96077062-G-A.
Other names: c.888G>A, p.Glu296= (NM_001042440.5, NM_001330627.2); c.954G>A, p.Glu318= (NM_001042441.3); c.945G>A, p.Glu315= (NM_001042442.3, NM_001329966.1); c.762G>A, p.Glu254= (NM_001042443.3, NM_001423250.1); c.639G>A, p.Glu213= (NM_001042444.3, NM_001284212.4); c.657G>A, p.Glu219= (NM_001042445.3, NM_001423255.1, NM_001423256.1 and 3 more transcripts); c.600G>A, p.Glu200= (NM_001042446.3, NM_001330630.2, NM_001423260.1); c.723G>A, p.Glu241= (NM_001190442.2, NM_001330631.2, NM_001423251.1 and 1 more transcripts); and 8 more.
Identifiers: ClinVar variation 2905661 (VCV002905661.2), dbSNP rs774410415, ClinGen allele CA3351058.